The following is an entry in ClinVar:

ClinVar aggregate classification (germline): not provided (0 of 4 stars; one submission).

Conditions:
Analbuminemia (ANALBA). Also called: Analbuminemia, American Indian type; Analbuminemia, Vancouver. Identifiers: Orphanet 86816, MedGen C0878666, OMIM 616000.

Submission:

ClinVar Staff, National Center for Biotechnology Information (NCBI)
No classification provided. Review status: no classification provided. Collection method: not provided. Allele origin: unknown.
Comment: Analbuminemia Zonguldak

NM_000477.7(ALB):c.597T>A (p.Ala199=)

Gene: ALB (albumin; plus strand). Cytogenetic location: 4q13.3.
Variant type: single nucleotide variant.
Coding change: c.597T>A on transcript NM_000477.7 (MANE Select); coding-DNA position 597, T replaced by A.
Protein change: p.Ala199=; no amino-acid change (alanine 199 retained).
Molecular consequence: synonymous variant.
Genome position (GRCh38, 1-based): chr4:73,409,469, T>A. VCF-style: chr4-73409469-T-A. GRCh37 (hg19) VCF-style: chr4-74275186-T-A.
Other names: Zonguldak.
Identifiers: ClinVar variation 156322 (VCV000156322.1), dbSNP rs281860282, ClinGen allele CA170831.